The following is an entry in ClinVar:

NM_000051.4(ATM):c.1065+16C>A

Gene: ATM (ATM serine/threonine kinase; plus strand). Cytogenetic location: 11q22.3.
Variant type: single nucleotide variant.
Coding change: c.1065+16C>A on transcript NM_000051.4 (MANE Select); 16 bases into the intron after coding-DNA position 1065, C replaced by A.
Molecular consequence: intron variant.
Genome position (GRCh38, 1-based): chr11:108,247,143, C>A. VCF-style: chr11-108247143-C-A. GRCh37 (hg19) VCF-style: chr11-108117870-C-A.
Other names: c.1065+16C>A (NM_001351834.2).
Identifiers: ClinVar variation 3645944 (VCV003645944.2).

ClinVar aggregate classification (germline): Uncertain significance (1 of 4 stars; one submission).

Conditions:
Ataxia-telangiectasia syndrome (AT). Also called: ATAXIA-TELANGIECTASIA, COMPLEMENTATION GROUP A; ATAXIA-TELANGIECTASIA, FRESNO VARIANT; LOUIS-BAR SYNDROME; Ataxia-telangiectasia, complementation group D; Ataxia-telangiectasia, complementation group E; Cerebello-oculocutaneous telangiectasia. Identifiers: Orphanet 100, MedGen C0004135, MONDO:0008840, OMIM 208900.

gnomAD v4.1: 1 of 1,612,736 alleles (0.000062%); highest among the groups gnomAD compares: South Asian, 0.0011%; no homozygotes.

Submission:

Labcorp Genetics (formerly Invitae), Labcorp
Classification: Uncertain significance for Ataxia-telangiectasia syndrome. Last evaluated: 2024-03-14. Review status: criteria provided, single submitter. Criteria: Invitae Variant Classification Sherloc (09022015). Collection method: clinical testing. Allele origin: germline.
Comment: This sequence change falls in intron 8 of the ATM gene. It does not directly change the encoded amino acid sequence of the ATM protein. This variant is not present in population databases (gnomAD no frequency). This variant has not been reported in the literature in individuals affected with ATM-related conditions. Algorithms developed to predict the effect of sequence changes on RNA splicing suggest that this variant may create or strengthen a splice site. In summary, the available evidence is currently insufficient to determine the role of this variant in disease. Therefore, it has been classified as a Variant of Uncertain Significance.